The following is an entry in ClinVar:

ClinVar aggregate classification (germline): Uncertain significance (0 of 4 stars; one submission).

Conditions:
NCOA1-related disorder. Also called: NCOA1-related condition.

Allele frequency attached by ClinVar (database versions not stated): ESP Exome Variant Server 0.00008; TOPMed 0.00011; gnomAD 0.00012; ExAC 0.00014; gnomAD exomes 0.00022.
gnomAD v4.1: 339 of 1,613,466 alleles (0.021%); highest among the groups gnomAD compares: Non-Finnish European, 0.026%; no homozygotes.

Submission:

PreventionGenetics, part of Exact Sciences
Classification: Uncertain significance for NCOA1-related condition. Last evaluated: 2024-08-19. Review status: no assertion criteria provided. Collection method: clinical testing. Allele origin: germline.
Comment: The NCOA1 c.876G>A variant is not predicted to result in an amino acid change (p.=). This variant is predicted to activate a cryptic splice acceptor site (SpliceAI, Jaganathan et al. 2019. PubMed ID: 30661751); however, the use of computer prediction programs is not equivalent to functional evidence. To our knowledge, this variant has not been reported in the literature. This variant is reported in 0.029% of alleles in individuals of European (Non-Finnish) descent in gnomAD, which may be too common to be a primary cause of disease. Although we suspect this variant is benign, at this time, the clinical significance of this variant is uncertain due to the absence of conclusive functional and genetic evidence.

NM_003743.5(NCOA1):c.876G>A (p.Val292=)

Gene: NCOA1 (nuclear receptor coactivator 1; plus strand). Cytogenetic location: 2p23.3.
Variant type: single nucleotide variant.
Coding change: c.876G>A on transcript NM_003743.5 (MANE Select); coding-DNA position 876, G replaced by A.
Protein change: p.Val292=; no amino-acid change (valine 292 retained).
Molecular consequence: synonymous variant.
Genome position (GRCh38, 1-based): chr2:24,697,725, G>A. VCF-style: chr2-24697725-G-A. GRCh37 (hg19) VCF-style: chr2-24920594-G-A.
Other names: c.876G>A, p.Val292= (NM_001362950.1, NM_001362952.1, NM_001362954.1 and 3 more transcripts).
Identifiers: ClinVar variation 2634077 (VCV002634077.3), dbSNP rs200562192, ClinGen allele CA1552115.